The following is an entry in ClinVar:

NM_021009.7(UBC):c.564T>C (p.Ile188=)

Gene: UBC (ubiquitin C; minus strand). Cytogenetic location: 12q24.31.
Variant type: single nucleotide variant.
Coding change: c.564T>C on transcript NM_021009.7 (MANE Select); coding-DNA position 564, T replaced by C.
Protein change: p.Ile188=; no amino-acid change (isoleucine 188 retained).
Molecular consequence: synonymous variant.
Genome position (GRCh38, 1-based): chr12:124,913,208, A>G on the plus strand (T>C on the coding strand, the complement: UBC is on the minus strand). VCF-style: chr12-124913208-A-G. GRCh37 (hg19) VCF-style: chr12-125397754-A-G.
Identifiers: ClinVar variation 2643573 (VCV002643573.24), dbSNP rs540140248, ClinGen allele CA245269154.

ClinVar aggregate classification (germline): Likely benign (1 of 4 stars; one submission).

Allele frequency attached by ClinVar (database versions not stated): ExAC 0.00068; gnomAD exomes 0.00081; gnomAD 0.00177; 1000 Genomes Project 0.00220.
gnomAD v4.1: 1,457 of 1,605,532 alleles (0.091%); highest among the groups gnomAD compares: East Asian, 2%; 37 homozygotes.

Submission:

CeGaT Center for Human Genetics Tuebingen
Classification: Likely benign. Last evaluated: 2023-02-01. Review status: criteria provided, single submitter. Criteria: CeGaT Center For Human Genetics Tuebingen Variant Classification Criteria Version 2. Collection method: clinical testing. Allele origin: germline. Affected: yes. Observed: 1 variant allele.
Comment: UBC: BP4, BP7, BS2